The following is an entry in ClinVar:

NM_000059.4(BRCA2):c.6949G>C (p.Asp2317His)

Gene: BRCA2 (BRCA2 DNA repair associated; plus strand). Cytogenetic location: 13q13.1.
Variant type: single nucleotide variant.
Coding change: c.6949G>C on transcript NM_000059.4 (MANE Select); coding-DNA position 6949, G replaced by C.
Protein change: p.Asp2317His; replaces aspartic acid 2317 with histidine.
Molecular consequence: missense variant. On other transcripts: non-coding transcript variant (1).
Genome position (GRCh38, 1-based): chr13:32,346,838, G>C. VCF-style: chr13-32346838-G-C. GRCh37 (hg19) VCF-style: chr13-32920975-G-C.
Other names: c.6853G>C, p.Asp2285His (NM_001406719.1); c.6949G>C, p.Asp2317His (NM_001406720.1); c.2017G>C, p.Asp673His (NM_001406721.1); c.532G>C, p.Asp178His (NM_001406722.1); short protein forms D178H, D2285H, D2317H, D673H.
Identifiers: ClinVar variation 2905839 (VCV002905839.3), dbSNP rs2137541338, ClinGen allele CA387792987.

ClinVar aggregate classification (germline): Uncertain significance (1 of 4 stars; one submission).

Conditions:
Hereditary breast ovarian cancer syndrome. Also called: Hereditary breast and ovarian cancer syndrome; BRCA1- and BRCA2-Associated Hereditary Breast and Ovarian Cancer; Breast and ovarian cancer; Hereditary breast and ovarian cancer; Hereditary breast and ovarian cancer syndrome (HBOC); Hereditary breast and/or ovarian cancer syndrome. Identifiers: Orphanet 145, MedGen C0677776, MeSH D061325, MONDO:0003582. Disease mechanism: loss of function.

Submission:

Labcorp Genetics (formerly Invitae), Labcorp
Classification: Uncertain significance for Hereditary breast ovarian cancer syndrome. Last evaluated: 2024-01-31. Review status: criteria provided, single submitter. Criteria: Invitae Variant Classification Sherloc (09022015). Collection method: clinical testing. Allele origin: germline.
Comment: This sequence change replaces aspartic acid, which is acidic and polar, with histidine, which is basic and polar, at codon 2317 of the BRCA2 protein (p.Asp2317His). This variant is not present in population databases (gnomAD no frequency). This variant has not been reported in the literature in individuals affected with BRCA2-related conditions. Advanced modeling of protein sequence and biophysical properties (such as structural, functional, and spatial information, amino acid conservation, physicochemical variation, residue mobility, and thermodynamic stability) performed at Invitae indicates that this missense variant is not expected to disrupt BRCA2 protein function with a negative predictive value of 95%. In summary, the available evidence is currently insufficient to determine the role of this variant in disease. Therefore, it has been classified as a Variant of Uncertain Significance.